The following is an entry in ClinVar:

ClinVar aggregate classification (germline): Uncertain significance (1 of 4 stars; one submission).

Conditions:
Emery-Dreifuss muscular dystrophy 4, autosomal dominant (EDMD4). Also called: EMERY-DREIFUSS MUSCULAR DYSTROPHY 4 WITH VARIABLE FEATURES. Identifiers: Orphanet 261, MedGen C2751807, MONDO:0013071, OMIM 612998.
Autosomal recessive ataxia, Beauce type. Also called: Spinocerebellar ataxia, autosomal recessive 8; ATAXIA, RECESSIVE, OF BEAUCE; SYNE1-Related Autosomal Recessive Cerebellar Ataxia; SYNE1 Deficiency. Identifiers: Orphanet 88644, MedGen C1853116, MONDO:0012549, OMIM 610743.

Submission:

Labcorp Genetics (formerly Invitae), Labcorp
Classification: Uncertain significance for Emery-Dreifuss muscular dystrophy 4, autosomal dominant; Autosomal recessive ataxia, Beauce type. Last evaluated: 2024-09-18. Review status: criteria provided, single submitter. Criteria: Invitae Variant Classification Sherloc (09022015). Collection method: clinical testing. Allele origin: germline.
Comment: This sequence change replaces glutamine, which is neutral and polar, with leucine, which is neutral and non-polar, at codon 1882 of the SYNE1 protein (p.Gln1882Leu). This variant is not present in population databases (gnomAD no frequency). This variant has not been reported in the literature in individuals affected with SYNE1-related conditions. An algorithm developed to predict the effect of missense changes on protein structure and function (PolyPhen-2) suggests that this variant is likely to be tolerated. In summary, the available evidence is currently insufficient to determine the role of this variant in disease. Therefore, it has been classified as a Variant of Uncertain Significance.

NM_182961.4(SYNE1):c.5624A>T (p.Gln1875Leu)

Gene: SYNE1 (spectrin repeat containing nuclear envelope protein 1; minus strand). Cytogenetic location: 6q25.2.
Variant type: single nucleotide variant.
Coding change: c.5624A>T on transcript NM_182961.4 (MANE Select); coding-DNA position 5624, A replaced by T.
Protein change: p.Gln1875Leu; replaces glutamine 1875 with leucine.
Molecular consequence: missense variant.
Genome position (GRCh38, 1-based): chr6:152,416,813, T>A on the plus strand (A>T on the coding strand, the complement: SYNE1 is on the minus strand). VCF-style: chr6-152416813-T-A. GRCh37 (hg19) VCF-style: chr6-152737948-T-A.
Other names: c.5645A>T, p.Gln1882Leu (NM_033071.5); short protein forms Q1875L, Q1882L.
Identifiers: ClinVar variation 3748486 (VCV003748486.2).